The following is an entry in ClinVar:

NM_001304548.2(CFAP47):c.8246C>T (p.Thr2749Met)

Gene: CFAP47 (cilia and flagella associated protein 47; plus strand). Cytogenetic location: Xp21.1.
Variant type: single nucleotide variant.
Coding change: c.8246C>T on transcript NM_001304548.2 (MANE Select); coding-DNA position 8246, C replaced by T.
Protein change: p.Thr2749Met; replaces threonine 2749 with methionine.
Molecular consequence: missense variant.
Genome position (GRCh38, 1-based): chrX:36,310,891, C>T. VCF-style: chrX-36310891-C-T. GRCh37 (hg19) VCF-style: chrX-36329006-C-T.
Other names: short protein forms T2749M.
Identifiers: ClinVar variation 2660268 (VCV002660268.23), dbSNP rs200838040, ClinGen allele CA10382386.

ClinVar aggregate classification (germline): Likely benign (1 of 4 stars; one submission).

Allele frequency attached by ClinVar (database versions not stated): gnomAD exomes 0.00019; 1000 Genomes Project 30x 0.00042; ExAC 0.00058; 1000 Genomes Project 0.00079; gnomAD 0.00101; TOPMed 0.00107; ESP Exome Variant Server 0.00194.
gnomAD v4.1: 309 of 1,143,863 alleles (0.027%); highest among the groups gnomAD compares: African/African-American, 0.37%; no homozygotes.

Submission:

CeGaT Center for Human Genetics Tuebingen
Classification: Likely benign. Last evaluated: 2022-12-01. Review status: criteria provided, single submitter. Criteria: CeGaT Center For Human Genetics Tuebingen Variant Classification Criteria Version 2. Collection method: clinical testing. Allele origin: germline. Affected: yes. Observed: 1 variant allele.
Comment: CFAP47: BP4, BS2; CXorf30: BP4, BS2